The following is an entry in ClinVar:

NM_000094.4(COL7A1):c.4928G>A (p.Gly1643Asp)

Gene: COL7A1 (collagen type VII alpha 1 chain; minus strand). Cytogenetic location: 3p21.31.
Variant type: single nucleotide variant.
Coding change: c.4928G>A on transcript NM_000094.4 (MANE Select); coding-DNA position 4928, G replaced by A.
Protein change: p.Gly1643Asp; replaces glycine 1643 with aspartic acid.
Molecular consequence: missense variant.
Genome position (GRCh38, 1-based): chr3:48,581,129, C>T on the plus strand (G>A on the coding strand, the complement: COL7A1 is on the minus strand). VCF-style: chr3-48581129-C-T. GRCh37 (hg19) VCF-style: chr3-48618562-C-T.
Other names: short protein forms G1643D.
Identifiers: ClinVar variation 379308 (VCV000379308.2), dbSNP rs1057520567, ClinGen allele CA16604481.

ClinVar aggregate classification (germline): Pathogenic (1 of 4 stars; one submission).

Submission:

GeneDx
Classification: Pathogenic. Last evaluated: 2015-04-28. Review status: criteria provided, single submitter. Criteria: GeneDx Variant Classification (06012015). Collection method: clinical testing. Allele origin: germline. Affected: yes.
Comment: The p.G1643D variant in the COL7A1 gene has not been reported previously as a pathogenic variant nor as a benign polymorphism, to our knowledge. The p.G1643D substitution was not observed in approximately 6500 individuals of European and African American ancestry in the NHLBI Exome Sequencing Project, indicating it is not a common benign variant in these populations. The p.G1643D variant is a non-conservative amino acid substitution, which is likely to impact secondary protein structure as these residues differ in polarity, charge, size and/or other properties. This substitution occurs at a position that is conserved across species. In silico analysis predicts this variant is probably damaging to the protein structure/function as it occurs at the first Glycine position of the canonical Gly-X-Y repeat in the collagenous domain of the collagen VII protein. Glycine substitution variants in this region of the collagen VII protein will destabilize the collagen triple helix resulting in anchoring fibrils that are unstable and result in poor anchoring off the basement membrane to the underlying dermis. Missense variants in nearby residues (G1649R, G1652R) have been reported in the Human Gene Mutation Database in association with DEB (Stenson et al., 2014), supporting the functional importance of this region of the protein. We interpret p.G1643D as a pathogenic variant.